The following is an entry in ClinVar:

ClinVar aggregate classification (germline): Conflicting classifications of pathogenicity. Review status: criteria provided, conflicting classifications (1 of 4 stars). 5 submissions from 5 submitters: Uncertain significance (3); Likely benign (1). 1 of the submissions does not count toward it. Last evaluated 2025-07-17.

Conditions:
Hereditary cancer-predisposing syndrome. Also called: Tumor predisposition; Hereditary Cancer Syndrome; Neoplastic Syndromes, Hereditary; Hereditary neoplastic syndrome. Identifiers: Orphanet 140162, MedGen C0027672, MeSH D009386, MONDO:0015356.
Hereditary breast ovarian cancer syndrome. Also called: Hereditary breast and ovarian cancer; Breast and ovarian cancer; Hereditary breast and/or ovarian cancer syndrome; BRCA1- and BRCA2-Associated Hereditary Breast and Ovarian Cancer; Hereditary breast and ovarian cancer syndrome; Hereditary breast and ovarian cancer syndrome (HBOC). Identifiers: Orphanet 145, MedGen C0677776, MeSH D061325, MONDO:0003582. Disease mechanism: loss of function.
Breast-ovarian cancer, familial, susceptibility to, 2 (BROVCA2). Also called: BRCA2 Hereditary Breast and Ovarian Cancer. Identifiers: Orphanet 145, MedGen C2675520, MONDO:0012933, OMIM 612555. Disease mechanism: loss of function.

Allele frequency attached by ClinVar (database versions not stated): gnomAD exomes below 0.00001; ExAC 0.00001.
gnomAD v4.1: 1 of 1,613,862 alleles (0.000062%); highest among the groups gnomAD compares: East Asian, 0.0022%; no homozygotes.

Submissions (5):

GeneDx
Classification: Uncertain significance. Last evaluated: 2025-07-17. Review status: criteria provided, single submitter. Criteria: GeneDx Variant Classification Process June 2021. Collection method: clinical testing. Allele origin: germline. Affected: yes.
Comment: Not observed at significant frequency in large population cohorts (gnomAD); In silico analysis supports that this missense variant has a deleterious effect on protein structure/function; Has not been previously published as pathogenic or benign to our knowledge; Also known as 6290A>T

University of Washington Department of Laboratory Medicine, University of Washington
Classification: Likely benign for Hereditary cancer-predisposing syndrome. Last evaluated: 2023-03-23. Review status: criteria provided, single submitter. Criteria: Dines et al. (Genet Med. 2020). Collection method: curation. Allele origin: germline.
Comment: Missense variant in a coldspot region where missense variants are very unlikely to be pathogenic (PMID:31911673).

BRCA2 exon 11 coldspot. Reclassification based on statistical prior probability.

Labcorp Genetics (formerly Invitae), Labcorp
Classification: Uncertain significance for Hereditary breast ovarian cancer syndrome. Last evaluated: 2022-09-15. Review status: criteria provided, single submitter. Criteria: Invitae Variant Classification Sherloc (09022015). Collection method: clinical testing. Allele origin: germline.
Comment: ClinVar contains an entry for this variant (Variation ID: 252841). This variant has not been reported in the literature in individuals affected with BRCA2-related conditions. This variant is present in population databases (rs780621780, gnomAD 0.006%). This sequence change replaces histidine, which is basic and polar, with leucine, which is neutral and non-polar, at codon 2021 of the BRCA2 protein (p.His2021Leu). Advanced modeling of protein sequence and biophysical properties (such as structural, functional, and spatial information, amino acid conservation, physicochemical variation, residue mobility, and thermodynamic stability) performed at Invitae indicates that this missense variant is not expected to disrupt BRCA2 protein function. In summary, the available evidence is currently insufficient to determine the role of this variant in disease. Therefore, it has been classified as a Variant of Uncertain Significance.

Ambry Genetics
Classification: Uncertain significance for Hereditary cancer-predisposing syndrome. Last evaluated: 2021-08-12. Review status: criteria provided, single submitter. Criteria: Ambry Variant Classification Scheme 2023. Collection method: clinical testing. Allele origin: germline.
Comment: The p.H2021L variant (also known as c.6062A>T), located in coding exon 10 of the BRCA2 gene, results from an A to T substitution at nucleotide position 6062. The histidine at codon 2021 is replaced by leucine, an amino acid with similar properties. This amino acid position is not well conserved in available vertebrate species. In addition, this alteration is predicted to be tolerated by in silico analysis. Since supporting evidence is limited at this time, the clinical significance of this alteration remains unclear.

Sharing Clinical Reports Project (SCRP)
Classification: Uncertain significance for Breast-ovarian cancer, familial 2. Last evaluated: 2008-10-06. Review status: no assertion criteria provided. Collection method: clinical testing. Allele origin: germline. Not counted in ClinVar's aggregate classification.

NM_000059.4(BRCA2):c.6062A>T (p.His2021Leu)

Gene: BRCA2 (BRCA2 DNA repair associated; plus strand). Cytogenetic location: 13q13.1.
Variant type: single nucleotide variant.
Coding change: c.6062A>T on transcript NM_000059.4 (MANE Select); coding-DNA position 6062, A replaced by T.
Protein change: p.His2021Leu; replaces histidine 2021 with leucine.
Molecular consequence: missense variant.
Genome position (GRCh38, 1-based): chr13:32,340,417, A>T. VCF-style: chr13-32340417-A-T. GRCh37 (hg19) VCF-style: chr13-32914554-A-T.
Other names: H2021L; 6290A>T; c.6062A>T, p.His2021Leu (NM_001406719.1, NM_001406720.1).
Identifiers: ClinVar variation 252841 (VCV000252841.12), dbSNP rs780621780, ClinGen allele CA6940926.